The following is an entry in ClinVar:

ClinVar aggregate classification (germline): Uncertain significance (1 of 4 stars; one submission).

Conditions:
Inborn genetic diseases. Identifiers: MedGen C0950123, MeSH D030342.

Submission:

Ambry Genetics
Classification: Uncertain significance for Inborn genetic diseases. Last evaluated: 2025-04-12. Review status: criteria provided, single submitter. Criteria: Ambry Variant Classification Scheme 2023. Collection method: clinical testing. Allele origin: germline.
Comment: The p.T1102N variant (also known as c.3305C>A), located in coding exon 33 of the FANCA gene, results from a C to A substitution at nucleotide position 3305. The threonine at codon 1102 is replaced by asparagine, an amino acid with similar properties. This amino acid position is conserved. In addition, this alteration is predicted to be tolerated by in silico analysis. Based on the available evidence, the clinical significance of this variant remains unclear.

NM_000135.4(FANCA):c.3305C>A (p.Thr1102Asn)

Gene: FANCA (FA complementation group A; minus strand). Cytogenetic location: 16q24.3.
Variant type: single nucleotide variant.
Coding change: c.3305C>A on transcript NM_000135.4 (MANE Select); coding-DNA position 3305, C replaced by A.
Protein change: p.Thr1102Asn; replaces threonine 1102 with asparagine.
Molecular consequence: missense variant.
Genome position (GRCh38, 1-based): chr16:89,748,702, G>T on the plus strand (C>A on the coding strand, the complement: FANCA is on the minus strand). VCF-style: chr16-89748702-G-T. GRCh37 (hg19) VCF-style: chr16-89815110-G-T.
Other names: c.3305C>A, p.Thr1102Asn (NM_001286167.3); short protein forms T1102N.
Identifiers: ClinVar variation 4022180 (VCV004022180.1).
Genomic context (GRCh38, chr16:89,748,702, plus strand): 5'-GCACACGGGGCACCTACCATCTCAGAGTTGACCAAGTGGAAGAACTGCTCGCATCTGGCA[G>T]TGATGGGCTGTTCTGCCTGGAAGCTGCTGCCGCAGAGGACAGACGAAGGCAGGCGGAGGA-3'
Protein context (NP_000126.2, residues 1092-1112): GSSFQAEQPI[Thr1102Asn]ARCEQFFHLV